The following is an entry in ClinVar:

ClinVar aggregate classification (germline): Uncertain significance (1 of 4 stars; one submission).

Submission:

GeneDx
Classification: Uncertain significance. Last evaluated: 2024-06-30. Review status: criteria provided, single submitter. Criteria: GeneDx Variant Classification Process June 2021. Collection method: clinical testing. Allele origin: germline. Affected: yes.
Comment: Not observed at significant frequency in large population cohorts (gnomAD); In silico analysis supports that this missense variant has a deleterious effect on protein structure/function; Has not been previously published as pathogenic or benign to our knowledge

NM_001379291.1(BRD4):c.1084A>C (p.Lys362Gln)

Gene: BRD4 (bromodomain containing 4; minus strand). Cytogenetic location: 19p13.12.
Variant type: single nucleotide variant.
Coding change: c.1084A>C on transcript NM_001379291.1 (MANE Select); coding-DNA position 1084, A replaced by C.
Protein change: p.Lys362Gln; replaces lysine 362 with glutamine.
Molecular consequence: missense variant.
Genome position (GRCh38, 1-based): chr19:15,264,532, T>G on the plus strand (A>C on the coding strand, the complement: BRD4 is on the minus strand). VCF-style: chr19-15264532-T-G. GRCh37 (hg19) VCF-style: chr19-15375343-T-G.
Other names: c.1084A>C, p.Lys362Gln (NM_001330384.2, NM_001379292.1, NM_014299.3 and 1 more transcripts); short protein forms K362Q.
Identifiers: ClinVar variation 3393738 (VCV003393738.1).